The following is an entry in ClinVar:

ClinVar aggregate classification (germline): Uncertain significance (1 of 4 stars; one submission).

Conditions:
Combined oxidative phosphorylation defect type 27. Also called: Combined oxidative phosphorylation deficiency 27. Identifiers: Orphanet 477774, MedGen C5567608, MONDO:0014728, OMIM 616672.

Submission:

Labcorp Genetics (formerly Invitae), Labcorp
Classification: Uncertain significance for Combined oxidative phosphorylation defect type 27. Last evaluated: 2021-06-06. Review status: criteria provided, single submitter. Criteria: Invitae Variant Classification Sherloc (09022015). Collection method: clinical testing. Allele origin: germline.
Comment: This sequence change replaces proline with alanine at codon 248 of the CARS2 protein (p.Pro248Ala). The proline residue is weakly conserved and there is a small physicochemical difference between proline and alanine. This variant is not present in population databases (ExAC no frequency). This variant has not been reported in the literature in individuals with CARS2-related conditions. Algorithms developed to predict the effect of missense changes on protein structure and function (SIFT, PolyPhen-2, Align-GVGD) all suggest that this variant is likely to be tolerated, but these predictions have not been confirmed by published functional studies and their clinical significance is uncertain. In summary, the available evidence is currently insufficient to determine the role of this variant in disease. Therefore, it has been classified as a Variant of Uncertain Significance.

NM_024537.4(CARS2):c.742C>G (p.Pro248Ala)

Gene: CARS2 (cysteinyl-tRNA synthetase 2, mitochondrial; minus strand). Cytogenetic location: 13q34.
Variant type: single nucleotide variant.
Coding change: c.742C>G on transcript NM_024537.4 (MANE Select); coding-DNA position 742, C replaced by G.
Protein change: p.Pro248Ala; replaces proline 248 with alanine.
Molecular consequence: missense variant. On other transcripts: 5 prime UTR variant (1), non-coding transcript variant (2).
Genome position (GRCh38, 1-based): chr13:110,677,017, G>C on the plus strand (C>G on the coding strand, the complement: CARS2 is on the minus strand). VCF-style: chr13-110677017-G-C. GRCh37 (hg19) VCF-style: chr13-111329364-G-C.
Other names: c.-45C>G (NM_001352252.2); c.742C>G, p.Pro248Ala (NM_001352253.3); short protein forms P248A.
Identifiers: ClinVar variation 1512106 (VCV001512106.8), dbSNP rs1465849835, ClinGen allele CA388735233.
Genomic context (GRCh38, chr13:110,677,017, plus strand): 5'-AGCGGCAGGCACCTTACCTAGCGATGGCAGAGCACTCGATGTGCCAGCCCGGCCTCCCGG[G>C]TCCCCAGGGAGAGGCCCAGAACACCTCCTGGGGTTTGGCCGCCTTCCACAGGGCGAAGTC-3'
Protein context (NP_078813.1, residues 238-258): QEVFWASPWG[Pro248Ala]GRPGWHIECS